The following is an entry in ClinVar:

NM_138694.4(PKHD1):c.2991delinsTA (p.Met997fs)

Gene: PKHD1 (PKHD1 ciliary IPT domain containing fibrocystin/polyductin; minus strand). Cytogenetic location: 6p12.2.
Variant type: Indel.
Coding change: c.2991delinsTA on transcript NM_138694.4 (MANE Select); coding-DNA position 2991, G replaced by TA.
Protein change: p.Met997fs; shifts the reading frame from methionine 997.
Molecular consequence: frameshift variant.
Genome position (GRCh38, 1-based): chr6:52,042,965, C replaced by TA on the plus strand (G replaced by TA on the coding strand, the reverse complement: PKHD1 is on the minus strand). VCF-style: chr6-52042965-C-TA. GRCh37 (hg19) VCF-style: chr6-51907763-C-TA.
Other names: c.2991delinsTA, p.Met997fs (NM_170724.3); short protein forms M997fs.
Identifiers: ClinVar variation 5016038 (VCV005016038.1).

ClinVar aggregate classification (germline): Pathogenic (1 of 4 stars; one submission).

Conditions:
Polycystic kidney disease 4 (PKD4). Also called: PKD3; Autosomal Recessive Polycystic Kidney Disease – PKHD1; POLYCYSTIC KIDNEY AND HEPATIC DISEASE 1; POLYCYSTIC KIDNEY DISEASE, INFANTILE, TYPE I; POLYCYSTIC KIDNEY DISEASE 4 WITH OR WITHOUT POLYCYSTIC LIVER DISEASE. Identifiers: MedGen C4540575, MONDO:0033004, OMIM 263200.

Submission:

Myriad Genetics, Inc.
Classification: Pathogenic for Polycystic kidney disease 4. Last evaluated: 2026-06-15. Review status: criteria provided, single submitter. Criteria: Myriad Autosomal Dominant, Autosomal Recessive and X-Linked Classification Criteria (2023). Collection method: clinical testing. Allele origin: unknown.
Comment: NM_138694.3(PKHD1):c.2991delGinsTA(M997Ifs*24) is expected to be pathogenic in the context of autosomal recessive polycystic kidney disease, PKHD1-related. This variant is predicted to lead to an abnormal or absent protein product due to the creation of a premature termination codon in PKHD1, a gene where loss-of-function variants are known to be pathogenic. Please note: this variant was assessed in the context of healthy population screening.